The following is an entry in ClinVar:

ClinVar aggregate classification (germline): Uncertain significance. Review status: criteria provided, multiple submitters, no conflicts (2 of 4 stars). 2 submissions from 2 submitters: Uncertain significance (2). Last evaluated 2025-01-11.

Conditions:
Cardiovascular phenotype. Identifiers: MedGen CN230736.
Long QT syndrome (LQTS). Identifiers: MedGen C0023976, MeSH D008133, MONDO:0002442. Disease mechanism: loss of function. Inheritance: Various modes of inheritance.

Allele frequency attached by ClinVar (database versions not stated): gnomAD exomes below 0.00001.
gnomAD v4.1: 1 of 1,612,946 alleles (0.000062%); highest among the groups gnomAD compares: East Asian, 0.0022%; no homozygotes.

Submissions (2):

Labcorp Genetics (formerly Invitae), Labcorp
Classification: Uncertain significance for Long QT syndrome. Last evaluated: 2025-01-11. Review status: criteria provided, single submitter. Criteria: Invitae Variant Classification Sherloc (09022015). Collection method: clinical testing. Allele origin: germline.
Comment: This sequence change replaces methionine, which is neutral and non-polar, with isoleucine, which is neutral and non-polar, at codon 674 of the AKAP9 protein (p.Met674Ile). This variant is not present in population databases (gnomAD no frequency). This variant has not been reported in the literature in individuals affected with AKAP9-related conditions. ClinVar contains an entry for this variant (Variation ID: 1784590). An algorithm developed to predict the effect of missense changes on protein structure and function (PolyPhen-2) suggests that this variant is likely to be disruptive. In summary, the available evidence is currently insufficient to determine the role of this variant in disease. Therefore, it has been classified as a Variant of Uncertain Significance.

Ambry Genetics
Classification: Uncertain significance for Cardiovascular phenotype. Last evaluated: 2025-01-06. Review status: criteria provided, single submitter. Criteria: Ambry Variant Classification Scheme 2023. Collection method: clinical testing. Allele origin: germline.
Comment: The p.M674I variant (also known as c.2022G>A), located in coding exon 8 of the AKAP9 gene, results from a G to A substitution at nucleotide position 2022. The methionine at codon 674 is replaced by isoleucine, an amino acid with highly similar properties. This amino acid position is highly conserved in available vertebrate species. In addition, this alteration is predicted to be tolerated by in silico analysis. Since supporting evidence is limited at this time, the clinical significance of this alteration remains unclear.

NM_005751.5(AKAP9):c.2022G>A (p.Met674Ile)

Gene: AKAP9 (A-kinase anchoring protein 9; plus strand). Cytogenetic location: 7q21.2.
Variant type: single nucleotide variant.
Coding change: c.2022G>A on transcript NM_005751.5 (MANE Select); coding-DNA position 2022, G replaced by A.
Protein change: p.Met674Ile; replaces methionine 674 with isoleucine.
Molecular consequence: missense variant.
Genome position (GRCh38, 1-based): chr7:92,001,939, G>A. VCF-style: chr7-92001939-G-A. GRCh37 (hg19) VCF-style: chr7-91631253-G-A.
Other names: c.2022G>A, p.Met674Ile (NM_147185.3); short protein forms M674I.
Identifiers: ClinVar variation 1784590 (VCV001784590.5), dbSNP rs2484692074, ClinGen allele CA368123137.